The following is an entry in ClinVar:

ClinVar aggregate classification (germline): Uncertain significance (1 of 4 stars; one submission).

Conditions:
Neuropathy, hereditary sensory and autonomic, type 2A (HSAN2A). Also called: ACROOSTEOLYSIS, GIACCAI TYPE; ACROOSTEOLYSIS, NEUROGENIC; WNK1-Related HSAN2 (HSAN2A); MORVAN DISEASE; NEUROPATHY, CONGENITAL SENSORY; NEUROPATHY, HEREDITARY SENSORY RADICULAR, AUTOSOMAL RECESSIVE. Identifiers: Orphanet 970, MedGen C2752089, MONDO:0024309, OMIM 201300.
Generalized epilepsy with febrile seizures plus, type 7 (GEFSP7). Also called: GEFS+, TYPE 7. Identifiers: Orphanet 36387, MedGen C2751778, MONDO:0013470, OMIM 613863.

Allele frequency attached by ClinVar (database versions not stated): gnomAD 0.00001.
gnomAD v4.1: 1 of 1,613,412 alleles (0.000062%); highest among the groups gnomAD compares: Non-Finnish European, 0.000085%; no homozygotes.

Submission:

Labcorp Genetics (formerly Invitae), Labcorp
Classification: Uncertain significance for Neuropathy, hereditary sensory and autonomic, type 2A; Generalized epilepsy with febrile seizures plus, type 7. Last evaluated: 2022-08-22. Review status: criteria provided, single submitter. Criteria: Invitae Variant Classification Sherloc (09022015). Collection method: clinical testing. Allele origin: germline.
Comment: Algorithms developed to predict the effect of missense changes on protein structure and function (SIFT, PolyPhen-2, Align-GVGD) all suggest that this variant is likely to be tolerated. In summary, the available evidence is currently insufficient to determine the role of this variant in disease. Therefore, it has been classified as a Variant of Uncertain Significance. This variant has not been reported in the literature in individuals affected with SCN9A-related conditions. This variant is present in population databases (no rsID available, gnomAD 0.007%). This sequence change replaces glycine, which is neutral and non-polar, with glutamic acid, which is acidic and polar, at codon 520 of the SCN9A protein (p.Gly520Glu).

NM_001365536.1(SCN9A):c.1559G>A (p.Gly520Glu)

Genes: SCN1A-AS1 (SCN1A and SCN9A antisense RNA 1; plus strand), SCN9A (sodium voltage-gated channel alpha subunit 9; minus strand). Cytogenetic location: 2q24.3.
Variant type: single nucleotide variant.
Coding change: c.1559G>A on transcript NM_001365536.1 (MANE Select); coding-DNA position 1559, G replaced by A.
Protein change: p.Gly520Glu; replaces glycine 520 with glutamic acid.
Molecular consequence: missense variant.
Genome position (GRCh38, 1-based): chr2:166,286,379, C>T on the plus strand (G>A on the coding strand, the complement: SCN9A is on the minus strand). VCF-style: chr2-166286379-C-T. GRCh37 (hg19) VCF-style: chr2-167142889-C-T.
Other names: c.1559G>A, p.Gly520Glu (NM_002977.4); short protein forms G520E.
Identifiers: ClinVar variation 2075760 (VCV002075760.4), dbSNP rs1437658105, ClinGen allele CA349084344.
Genomic context (GRCh38, chr2:166,286,379, plus strand): 5'-AGCAATTTGGGTGGTACCTGATTGGGGGTAGACAACCTCTTTTCATGTGCTCGCCTATGC[C>T]CTTCGACACCAAGGTGGAAACTTTTTCTTCTGATGCTGTCCTCTGATTCTGATTTCGACA-3'
Protein context (NP_001352465.1, residues 510-530): RRKSFHLGVE[Gly520Glu]HRRAHEKRLS